The following is an entry in ClinVar:

ClinVar aggregate classification (germline): Likely pathogenic (1 of 4 stars; one submission).

Conditions:
Basilicata-Akhtar syndrome. Also called: MENTAL RETARDATION, X-LINKED, SYNDROMIC, BASILICATA-AKHTAR TYPE; INTELLECTUAL DEVELOPMENTAL DISORDER, X-LINKED, SYNDROMIC, 36. Identifiers: MedGen C5231394, MONDO:0026730, OMIM 301032.

Submission:

Rady Children's Institute for Genomic Medicine, Rady Children's Hospital San Diego
Classification: Likely pathogenic for Basilicata-Akhtar syndrome. Last evaluated: 2025-05-22. Review status: criteria provided, single submitter. Criteria: ACMG Guidelines, 2015. Collection method: clinical testing. Allele origin: germline. Affected: yes.
Comment: This frameshifting variant in exon 9 of 13 is predicted to result in loss of normal protein function through either protein truncation or nonsense-mediated mRNA decay. Loss-of-function variation in MSL3 is an established mechanism of disease (PMID: 30224647, 33173220). This variant has not been previously reported or functionally characterized in the literature to our knowledge. The c.980dup (p.Thr328AspfsTer4) variant is absent from the latest version of the gnomAD population database and thus is presumed to be rare. Based on the available evidence, c.980dup (p.Thr328AspfsTer4) is classified as Likely Pathogenic.

Literature cited by the submitters: PubMed 30224647; PubMed 33173220.

NM_078629.4(MSL3):c.980dup (p.Thr328fs)

Gene: MSL3 (MSL complex subunit 3; plus strand). Cytogenetic location: Xp22.2.
Variant type: Duplication.
Coding change: c.980dup on transcript NM_078629.4 (MANE Select); coding-DNA position 980, one base duplicated (C; older notation c.980dupC).
Protein change: p.Thr328fs; shifts the reading frame from threonine 328.
Molecular consequence: frameshift variant.
Genome position (GRCh38, 1-based): chrX:11,765,538, C duplicated; the last of 2 consecutive C bases (chrX:11,765,537-11,765,538); duplicating either gives the same sequence. VCF-style (leftmost placement, unchanged base first): chrX-11765536-G-GC. GRCh37 (hg19) VCF-style: chrX-11783655-G-GC.
Other names: c.944dup, p.Thr316fs (NM_001193270.2); c.533dup, p.Thr179fs (NM_001282174.1); c.482dup, p.Thr162fs (NM_006800.4); c.980dup, p.Thr328fs (NM_078628.2); short protein forms T162fs, T179fs, T316fs, T328fs.
Identifiers: ClinVar variation 4814223 (VCV004814223.1).
Genomic context (GRCh38, chrX:11,765,536, plus strand): 5'-GGAACTCTCTCCCAGTCCGCCTTTGTTGAATCCATCCACGCCACAGTCCACAGAGAGTCA[G>GC]CCGACCACCGGTGAACCAGCCACCCCCAAAAGGCGCAAAGCTGAGCCAGAAGCATTGCAG-3'